The following is an entry in ClinVar:

ClinVar aggregate classification (germline): Uncertain significance. Review status: criteria provided, multiple submitters, no conflicts (2 of 4 stars). 4 submissions from 4 submitters: Uncertain significance (4). Last evaluated 2025-09-17.

Conditions:
Loeys-Dietz syndrome (LDS). Identifiers: Orphanet 60030, MedGen C2697932, MONDO:0018954.
Familial thoracic aortic aneurysm and aortic dissection (TAAD). Also called: Thoracic aortic aneurysms and dissections. Identifiers: Orphanet 91387, MedGen C4707243, MONDO:0019625.

Allele frequency attached by ClinVar (database versions not stated): gnomAD 0.00001; gnomAD exomes 0.00001; TOPMed 0.00001.
gnomAD v4.1: 10 of 1,613,798 alleles (0.00062%); highest among the groups gnomAD compares: African/African-American, 0.004%; no homozygotes.

Submissions (4):

Labcorp Genetics (formerly Invitae), Labcorp
Classification: Uncertain significance for Familial thoracic aortic aneurysm and aortic dissection. Last evaluated: 2025-09-17. Review status: criteria provided, single submitter. Criteria: Invitae Variant Classification Sherloc (09022015). Collection method: clinical testing. Allele origin: germline.
Comment: This sequence change replaces arginine, which is basic and polar, with glutamine, which is neutral and polar, at codon 413 of the TGFBR1 protein (p.Arg413Gln). This variant is present in population databases (no rsID available, gnomAD 0.003%). This variant has not been reported in the literature in individuals affected with TGFBR1-related conditions. ClinVar contains an entry for this variant (Variation ID: 1757425). Invitae Evidence Modeling of protein sequence and biophysical properties (such as structural, functional, and spatial information, amino acid conservation, physicochemical variation, residue mobility, and thermodynamic stability) has been performed for this missense variant. However, the output from this modeling did not meet the statistical confidence thresholds required to predict the impact of this variant on TGFBR1 protein function. In summary, the available evidence is currently insufficient to determine the role of this variant in disease. Therefore, it has been classified as a Variant of Uncertain Significance.

Color Diagnostics, LLC DBA Color Health
Classification: Uncertain significance for Familial thoracic aortic aneurysm and aortic dissection. Last evaluated: 2025-07-01. Review status: criteria provided, single submitter. Criteria: ACMG Guidelines, 2015. Collection method: clinical testing. Allele origin: germline.
Comment: This missense variant replaces arginine with glutamine at codon 413 of the TGFBR1 protein. Computational prediction suggests that this variant may have a deleterious impact on protein structure and function. To our knowledge, functional studies have not been reported for this variant. This variant has not been reported in individuals affected with TGFBR1-related disorders in the literature. This variant has been identified in 1/251156 chromosomes in the general population by the Genome Aggregation Database (gnomAD). The available evidence is insufficient to determine the role of this variant in disease conclusively. Therefore, this variant is classified as a Variant of Uncertain Significance.

All of Us Research Program, National Institutes of Health
Classification: Uncertain significance for Loeys-Dietz syndrome. Last evaluated: 2023-08-28. Review status: criteria provided, single submitter. Criteria: ACMG Guidelines, 2015. Collection method: clinical testing. Allele origin: germline. Inheritance: Autosomal dominant inheritance. Observed: 2 variant alleles, 2 heterozygotes.
Comment: This missense variant replaces arginine with glutamine at codon 413 of the TGFBR1 protein. Computational prediction suggests that this variant may have deleterious impact on protein structure and function (internally defined REVEL score threshold >= 0.7, PMID: 27666373). To our knowledge, functional studies have not been reported for this variant. This variant has not been reported in individuals affected with TGFBR1-related disorders in the literature. This variant has been identified in 1/251156 chromosomes in the general population by the Genome Aggregation Database (gnomAD). The available evidence is insufficient to determine the role of this variant in disease conclusively. Therefore, this variant is classified as a Variant of Uncertain Significance.

This study involves interpretation of variants in research participants for the purpose of population health screening. Participant phenotype was not available at the time of variant classification. Additional details can be found in publication PMID: 35346344, PMCID: PMC8962531

Ambry Genetics
Classification: Uncertain significance for Familial thoracic aortic aneurysm and aortic dissection. Last evaluated: 2022-01-02. Review status: criteria provided, single submitter. Criteria: Ambry Variant Classification Scheme 2023. Collection method: clinical testing. Allele origin: germline.
Comment: The p.R413Q variant (also known as c.1238G>A), located in coding exon 7 of the TGFBR1 gene, results from a G to A substitution at nucleotide position 1238. The arginine at codon 413 is replaced by glutamine, an amino acid with highly similar properties. This amino acid position is conserved. In addition, the in silico prediction for this alteration is inconclusive. Since supporting evidence is limited at this time, the clinical significance of this alteration remains unclear.

NM_004612.4(TGFBR1):c.1238G>A (p.Arg413Gln)

Gene: TGFBR1 (transforming growth factor beta receptor 1; plus strand). Cytogenetic location: 9q22.33.
Variant type: single nucleotide variant.
Coding change: c.1238G>A on transcript NM_004612.4 (MANE Select); coding-DNA position 1238, G replaced by A.
Protein change: p.Arg413Gln; replaces arginine 413 with glutamine.
Molecular consequence: missense variant.
Genome position (GRCh38, 1-based): chr9:99,146,592, G>A. VCF-style: chr9-99146592-G-A. GRCh37 (hg19) VCF-style: chr9-101908874-G-A.
Other names: c.1007G>A, p.Arg336Gln (NM_001130916.3, NM_001407435.1); c.1250G>A, p.Arg417Gln (NM_001306210.2); c.1082G>A, p.Arg361Gln (NM_001407416.1); c.1070G>A, p.Arg357Gln (NM_001407417.1); c.1043G>A, p.Arg348Gln (NM_001407418.1, NM_001407419.1, NM_001407420.1 and 1 more transcripts); c.1031G>A, p.Arg344Gln (NM_001407423.1, NM_001407424.1, NM_001407425.1 and 8 more transcripts); c.992G>A, p.Arg331Gln (NM_001407436.1); c.530G>A, p.Arg177Gln (NM_001407437.1); and 1 more; short protein forms R331Q, R357Q, R417Q, R254Q, R336Q, R348Q, R177Q, R344Q.
Identifiers: ClinVar variation 1757425 (VCV001757425.5), dbSNP rs1389908628, ClinGen allele CA374233137.